The following is an entry in ClinVar:

ClinVar aggregate classification (germline): Uncertain significance (1 of 4 stars; one submission).

Conditions:
Neurodevelopmental disorder with hypotonia, language delay, and skeletal defects with or without seizures (NEDHLSS). Identifiers: MedGen C5774213, MONDO:0859286, OMIM 620029.

Submission:

Dasa
Classification: Uncertain significance for neurodevelopmental disorder with hypotonia, language delay, and skeletal defects with or without seizures. Last evaluated: 2025-07-12. Review status: criteria provided, single submitter. Criteria: DASA Assertion Criteria. Collection method: clinical testing. Allele origin: germline.
Comment: NM_000719.7(CACNA1C):c.5303A>C (p.Asn1768Thr) is a missense variant that results in the substitution of asparagine with threonine. This variant is absent from population databases. Computational prediction algorithms are consistent with a deleterious effect. The currently available literature and clinical evidence are not sufficient to establish a definitive association between this variant and the reported condition. Therefore, this variant is classified as a variant of uncertain significance.

NM_000719.7(CACNA1C):c.5303A>C (p.Asn1768Thr)

Genes: CACNA1C (calcium voltage-gated channel subunit alpha1 C; plus strand), CACNA1C-AS1 (CACNA1C antisense RNA 1; minus strand). Cytogenetic location: 12p13.33.
Variant type: single nucleotide variant.
Coding change: c.5303A>C on transcript NM_000719.7 (MANE Select); coding-DNA position 5303, A replaced by C.
Protein change: p.Asn1768Thr; replaces asparagine 1768 with threonine.
Molecular consequence: missense variant.
Genome position (GRCh38, 1-based): chr12:2,679,655, A>C. VCF-style: chr12-2679655-A-C. GRCh37 (hg19) VCF-style: chr12-2788821-A-C.
Other names: c.5303A>C, p.Asn1768Thr (NM_001129830.3, NM_001129840.2, NM_001129841.2 and 4 more transcripts); c.5387A>C, p.Asn1796Thr (NM_001129831.2); c.5363A>C, p.Asn1788Thr (NM_001129832.2); c.5360A>C, p.Asn1787Thr (NM_001129833.2, NM_001129834.2, NM_001129835.2); c.5354A>C, p.Asn1785Thr (NM_001129836.2); c.5327A>C, p.Asn1776Thr (NM_001129837.2, NM_001129838.2); c.5321A>C, p.Asn1774Thr (NM_001129839.2); c.5294A>C, p.Asn1765Thr (NM_001129844.2); and 3 more; short protein forms N1757T, N1765T, N1768T, N1774T, N1776T, N1785T, N1787T, N1788T.
Identifiers: ClinVar variation 4882856 (VCV004882856.2).
Genomic context (GRCh38, chr12:2,679,655, plus strand): 5'-TGGTGGACTCCACCTTCACCCCGAGCAGCTACTCGTCCACCGGCTCCAACGCCAACATCA[A>C]CAACGCCAACAACACCGCCCTGGGTCGCCTCCCTCGCCCCGCCGGCTACCCCAGCACGGT-3'
Protein context (NP_000710.5, residues 1758-1778): YSSTGSNANI[Asn1768Thr]NANNTALGRL